The following is an entry in ClinVar:

NM_001177316.2(SLC34A3):c.1093+52_1094-4del

Gene: SLC34A3 (solute carrier family 34 member 3; plus strand). Cytogenetic location: 9q34.3.
Variant type: Deletion.
Coding change: c.1093+52_1094-4del on transcript NM_001177316.2 (MANE Select); 52 bases into the intron after coding-DNA position 1093 through 4 bases into the intron before coding-DNA position 1094, 85 bases deleted.
Molecular consequence: intron variant.
Genome position (GRCh38, 1-based): chr9:137,234,328-137,234,412, 85 bases deleted. GRCh37 (hg19): chr9:140,128,780-140,128,864.
Other names: c.1093+52_1094-4del (NM_001177317.2, NM_080877.3).
Identifiers: ClinVar variation 2987141 (VCV002987141.3), dbSNP rs1836455745, ClinGen allele CA1130091455.

ClinVar aggregate classification (germline): Uncertain significance (1 of 4 stars; one submission).

Submission:

Labcorp Genetics (formerly Invitae), Labcorp
Classification: Uncertain significance. Last evaluated: 2023-09-19. Review status: criteria provided, single submitter. Criteria: Invitae Variant Classification Sherloc (09022015). Collection method: clinical testing. Allele origin: germline.
Comment: This sequence change falls in intron 10 of the SLC34A3 gene. It does not directly change the encoded amino acid sequence of the SLC34A3 protein. In summary, the available evidence is currently insufficient to determine the role of this variant in disease. Therefore, it has been classified as a Variant of Uncertain Significance. This variant has not been reported in the literature in individuals affected with SLC34A3-related conditions. This variant is not present in population databases (gnomAD no frequency).